The following is an entry in ClinVar:

ClinVar aggregate classification (germline): Uncertain significance (1 of 4 stars; one submission).

Conditions:
Developmental and epileptic encephalopathy, 1 (DEE1). Also called: INFANTILE SPASM SYNDROME, X-LINKED 1; Epileptic encephalopathy, early infantile, 1; X-linked infantile spasms; West's syndrome; Tonic spasms with clustering, arrest of psychomotor development and hypsarrhythmia on EEG; X-Linked Infantile Spasm Syndrome. Identifiers: MedGen C3463992, MONDO:0010632, OMIM 308350. Disease mechanism: loss of function.
Intellectual disability, X-linked, with or without seizures, ARX-related. Also called: INTELLECTUAL DEVELOPMENTAL DISORDER, X-LINKED 29; MENTAL RETARDATION, X-LINKED 29; MENTAL RETARDATION, X-LINKED 32; MENTAL RETARDATION, X-LINKED 33; MENTAL RETARDATION, X-LINKED 38; MENTAL RETARDATION, X-LINKED 43. Identifiers: Orphanet 777, MedGen C0796244, MONDO:0010317, OMIM 300419.

Submission:

Labcorp Genetics (formerly Invitae), Labcorp
Classification: Uncertain significance for Developmental and epileptic encephalopathy, 1; Intellectual disability, X-linked, with or without seizures, ARX-related. Last evaluated: 2019-06-04. Review status: criteria provided, single submitter. Criteria: Invitae Variant Classification Sherloc (09022015). Collection method: clinical testing. Allele origin: germline.
Comment: In summary, the available evidence is currently insufficient to determine the role of this variant in disease. Therefore, it has been classified as a Variant of Uncertain Significance. This sequence change replaces glycine with alanine at codon 143 of the ARX protein (p.Gly143Ala). The glycine residue is weakly conserved and there is a small physicochemical difference between glycine and alanine. The frequency data for this variant in the population databases is considered unreliable, as metrics indicate insufficient coverage at this position in the ExAC database. This variant has not been reported in the literature in individuals with ARX-related conditions.

NM_139058.3(ARX):c.428G>C (p.Gly143Ala)

Genes: ARX (aristaless related homeobox; minus strand), LOC109610631 (aristaless related homeobox polyalanine expansion region; plus strand). Cytogenetic location: Xp21.3.
Variant type: single nucleotide variant.
Coding change: c.428G>C on transcript NM_139058.3 (MANE Select); coding-DNA position 428, G replaced by C.
Protein change: p.Gly143Ala; replaces glycine 143 with alanine.
Molecular consequence: missense variant.
Genome position (GRCh38, 1-based): chrX:25,013,567, C>G on the plus strand (G>C on the coding strand, the complement: ARX is on the minus strand). VCF-style: chrX-25013567-C-G. GRCh37 (hg19) VCF-style: chrX-25031684-C-G.
Other names: short protein forms G143A.
Identifiers: ClinVar variation 948899 (VCV000948899.10), dbSNP rs2048712574, ClinGen allele CA412613203.